The following is an entry in ClinVar:

ClinVar aggregate classification (germline): Conflicting classifications of pathogenicity. Review status: criteria provided, conflicting classifications (1 of 4 stars). 3 submissions from 3 submitters: Pathogenic (1); Likely pathogenic (1); Uncertain significance (1). Last evaluated 2025-09-30.

Conditions:
Pyridoxine-dependent epilepsy (EPEO4). Also called: Pyridoxine-Dependent Seizures; PYRIDOXINE DEPENDENCY WITH SEIZURES; EPILEPSY, EARLY-ONSET, 4, VITAMIN B6-DEPENDENT; Pyridoxine-Dependent Epilepsy - ALDH7A1. Identifiers: Orphanet 3006, MedGen C1849508, MONDO:0009945, OMIM 266100. Disease mechanism: loss of function.

Submissions (3):

Women's Health and Genetics/Laboratory Corporation of America, LabCorp
Classification: Uncertain significance. Last evaluated: 2025-09-30. Review status: criteria provided, single submitter. Criteria: LabCorp Variant Classification Summary - May 2015. Collection method: clinical testing. Allele origin: germline.
Comment: Variant summary: ALDH7A1 c.1531G>A (p.Asp511Asn) results in a conservative amino acid change located in the Aldehyde dehydrogenase domain of the encoded protein sequence. Algorithms developed to predict the effect of missense changes on protein structure and function are either unavailable or do not agree on the potential impact of this missense change. The variant was absent in 251394 control chromosomes. The available data on variant occurrences in the general population are insufficient to allow any conclusion about variant significance. c.1531G>A has been observed in at least one individual affected with clinical features of Pyridoxine-Dependent Epilepsy (Xue_2015). These data do not allow any conclusion about variant significance. To our knowledge, no experimental evidence demonstrating an impact on protein function has been reported. The following publication have been ascertained in the context of this evaluation (PMID: 26555630). The following publications have been ascertained in the context of this evaluation (PMID: 26555630, 38636407, 33868381, 32956737, 31737911, 31388081, 30043187). ClinVar contains an entry for this variant (Variation ID: 2734772). Based on the evidence outlined above, the variant was classified as uncertain significance.

Fulgent Genetics
Classification: Likely pathogenic for Pyridoxine-dependent epilepsy. Last evaluated: 2024-04-01. Review status: criteria provided, single submitter. Criteria: ACMG Guidelines, 2015. Collection method: clinical testing. Allele origin: germline.

Labcorp Genetics (formerly Invitae), Labcorp
Classification: Pathogenic for Pyridoxine-dependent epilepsy. Last evaluated: 2023-07-13. Review status: criteria provided, single submitter. Criteria: Invitae Variant Classification Sherloc (09022015). Collection method: clinical testing. Allele origin: germline.
Comment: For these reasons, this variant has been classified as Pathogenic. Advanced modeling of protein sequence and biophysical properties (such as structural, functional, and spatial information, amino acid conservation, physicochemical variation, residue mobility, and thermodynamic stability) performed at Invitae indicates that this missense variant is expected to disrupt ALDH7A1 protein function. This missense change has been observed in individual(s) with pyridoxine-dependent epilepsy (PMID: 26555630). In at least one individual the data is consistent with being in trans (on the opposite chromosome) from a pathogenic variant. This variant is not present in population databases (gnomAD no frequency). This sequence change replaces aspartic acid, which is acidic and polar, with asparagine, which is neutral and polar, at codon 511 of the ALDH7A1 protein (p.Asp511Asn).

Literature cited by the submitters: PubMed 30043187 (cited by Women's Health and Genetics/Laboratory Corporation of America, LabCorp); PubMed 31737911 (cited by Women's Health and Genetics/Laboratory Corporation of America, LabCorp); PubMed 33868381 (cited by Women's Health and Genetics/Laboratory Corporation of America, LabCorp); PubMed 26555630 (cited by Women's Health and Genetics/Laboratory Corporation of America, LabCorp and Labcorp Genetics (formerly Invitae), Labcorp); PubMed 31388081 (cited by Women's Health and Genetics/Laboratory Corporation of America, LabCorp); PubMed 38636407 (cited by Women's Health and Genetics/Laboratory Corporation of America, LabCorp); PubMed 32956737 (cited by Women's Health and Genetics/Laboratory Corporation of America, LabCorp).

NM_001182.5(ALDH7A1):c.1531G>A (p.Asp511Asn)

Gene: ALDH7A1 (aldehyde dehydrogenase 7 family member A1; minus strand). Cytogenetic location: 5q23.2.
Variant type: single nucleotide variant.
Coding change: c.1531G>A on transcript NM_001182.5 (MANE Select); coding-DNA position 1531, G replaced by A.
Protein change: p.Asp511Asn; replaces aspartic acid 511 with asparagine.
Molecular consequence: missense variant.
Genome position (GRCh38, 1-based): chr5:126,546,358, C>T on the plus strand (G>A on the coding strand, the complement: ALDH7A1 is on the minus strand). VCF-style: chr5-126546358-C-T. GRCh37 (hg19) VCF-style: chr5-125882050-C-T.
Other names: c.1447G>A, p.Asp483Asn (NM_001201377.2); c.1339G>A, p.Asp447Asn (NM_001202404.2); short protein forms D483N, D511N, D447N.
Identifiers: ClinVar variation 2734772 (VCV002734772.7), dbSNP rs2480242765, ClinGen allele CA360719139.